The following is an entry in ClinVar:

ClinVar aggregate classification (germline): Uncertain significance (1 of 4 stars; one submission).

Allele frequency attached by ClinVar (database versions not stated): ExAC 0.00002.
gnomAD v4.1: 5 of 1,612,542 alleles (0.00031%); highest among the groups gnomAD compares: Admixed American, 0.005%; no homozygotes.

Submission:

Labcorp Genetics (formerly Invitae), Labcorp
Classification: Uncertain significance. Last evaluated: 2023-09-11. Review status: criteria provided, single submitter. Criteria: Invitae Variant Classification Sherloc (09022015). Collection method: clinical testing. Allele origin: germline.
Comment: In summary, the available evidence is currently insufficient to determine the role of this variant in disease. Therefore, it has been classified as a Variant of Uncertain Significance. This sequence change replaces glycine, which is neutral and non-polar, with valine, which is neutral and non-polar, at codon 1724 of the ITPR1 protein (p.Gly1724Val). This variant is present in population databases (rs747553464, gnomAD 0.006%). This variant has not been reported in the literature in individuals affected with ITPR1-related conditions. ClinVar contains an entry for this variant (Variation ID: 2088203). Advanced modeling of protein sequence and biophysical properties (such as structural, functional, and spatial information, amino acid conservation, physicochemical variation, residue mobility, and thermodynamic stability) has been performed at Invitae for this missense variant, however the output from this modeling did not meet the statistical confidence thresholds required to predict the impact of this variant on ITPR1 protein function.

NM_001378452.1(ITPR1):c.5360G>T (p.Gly1787Val)

Gene: ITPR1 (inositol 1,4,5-trisphosphate receptor type 1; plus strand). Cytogenetic location: 3p26.1.
Variant type: single nucleotide variant.
Coding change: c.5360G>T on transcript NM_001378452.1 (MANE Select); coding-DNA position 5360, G replaced by T.
Protein change: p.Gly1787Val; replaces glycine 1787 with valine.
Molecular consequence: missense variant.
Genome position (GRCh38, 1-based): chr3:4,735,170, G>T. VCF-style: chr3-4735170-G-T. GRCh37 (hg19) VCF-style: chr3-4776854-G-T.
Other names: c.5216G>T, p.Gly1739Val (NM_001099952.4); c.5315G>T, p.Gly1772Val (NM_001168272.2); c.5171G>T, p.Gly1724Val (NM_002222.7); short protein forms G1724V, G1772V, G1739V, G1787V.
Identifiers: ClinVar variation 2088203 (VCV002088203.4), dbSNP rs747553464, ClinGen allele CA2232323.
Genomic context (GRCh38, chr3:4,735,170, plus strand): 5'-CAAACATTAGCTGTTCTGATTGTGCTTAGTAAAAACAATATTCCATCTTCTTAGGGGGAG[G>T]TTCCGGATCCAGCTCTATGAGCAGGGGTGAGATGAGTCTGGCCGAGGTTCAGTGTCACCT-3'
Protein context (NP_001365381.1, residues 1777-1797): GPGKPGGGGG[Gly1787Val]SGSSSMSRGE